The following is an entry in ClinVar:

NM_022051.3(EGLN1):c.1255G>T (p.Asp419Tyr)

Gene: EGLN1 (egl-9 family hypoxia inducible factor 1; minus strand). Cytogenetic location: 1q42.2.
Variant type: single nucleotide variant.
Coding change: c.1255G>T on transcript NM_022051.3 (MANE Select); coding-DNA position 1255, G replaced by T.
Protein change: p.Asp419Tyr; replaces aspartic acid 419 with tyrosine.
Molecular consequence: missense variant. On other transcripts: 3 prime UTR variant (2).
Genome position (GRCh38, 1-based): chr1:231,366,437, C>A on the plus strand (G>T on the coding strand, the complement: EGLN1 is on the minus strand). VCF-style: chr1-231366437-C-A. GRCh37 (hg19) VCF-style: chr1-231502183-C-A.
Other names: c.*35G>T (NM_001377260.1); c.*80G>T (NM_001377261.1); short protein forms D419Y.
Identifiers: ClinVar variation 4016876 (VCV004016876.1).

ClinVar aggregate classification (germline): Uncertain significance (1 of 4 stars; one submission).

Submission:

Ambry Genetics
Classification: Uncertain significance. Last evaluated: 2025-06-01. Review status: criteria provided, single submitter. Criteria: Ambry Variant Classification Scheme 2023. Collection method: clinical testing. Allele origin: germline.
Comment: The p.D419Y variant (also known as c.1255G>T), located in coding exon 5 of the EGLN1 gene, results from a G to T substitution at nucleotide position 1255. The aspartic acid at codon 419 is replaced by tyrosine, an amino acid with highly dissimilar properties. This amino acid position is conserved. In addition, the in silico prediction for this alteration is inconclusive. Based on the available evidence, the clinical significance of this variant remains unclear.